The following is an entry in ClinVar:

NM_004408.4(DNM1):c.920T>C (p.Ile307Thr)

Gene: DNM1 (dynamin 1; plus strand). Cytogenetic location: 9q34.11.
Variant type: single nucleotide variant.
Coding change: c.920T>C on transcript NM_004408.4 (MANE Select); coding-DNA position 920, T replaced by C.
Protein change: p.Ile307Thr; replaces isoleucine 307 with threonine.
Molecular consequence: missense variant.
Genome position (GRCh38, 1-based): chr9:128,222,267, T>C. VCF-style: chr9-128222267-T-C. GRCh37 (hg19) VCF-style: chr9-130984546-T-C.
Other names: c.920T>C, p.Ile307Thr (NM_001005336.3, NM_001288737.2, NM_001288738.2 and 1 more transcripts); short protein forms I307T.
Identifiers: ClinVar variation 575855 (VCV000575855.12), dbSNP rs1052613908, ClinGen allele CA200349771.
Genomic context (GRCh38, chr9:128,222,267, plus strand): 5'-ACCACATCCGGGACACACTGCCGGGGCTGCGGAACAAGCTGCAGAGCCAGCTACTGTCCA[T>C]TGAGAAGGAGGTGGAGGAATACAAGAACTTCCGCCCTGATGACCCAGCTCGCAAGACCAA-3'
Protein context (NP_004399.2, residues 297-317): RNKLQSQLLS[Ile307Thr]EKEVEEYKNF

ClinVar aggregate classification (germline): Conflicting classifications of pathogenicity. Review status: criteria provided, conflicting classifications (1 of 4 stars). 2 submissions from 2 submitters: Uncertain significance (1); Likely benign (1). Last evaluated 2024-01-02.

Conditions:
Developmental and epileptic encephalopathy, 31A. Also called: Epileptic encephalopathy, early infantile, 31; Developmental and epileptic encephalopathy, 31. Identifiers: Orphanet 2382, MedGen C4225357, MONDO:0014598, OMIM 616346.

Allele frequency attached by ClinVar (database versions not stated): gnomAD 0.00001 and 0.00002; gnomAD exomes 0.00001 and 0.00002; TOPMed 0.00002.
gnomAD v4.1: 35 of 1,613,980 alleles (0.0022%); highest among the groups gnomAD compares: Non-Finnish European, 0.003%; no homozygotes.

Submissions (2):

GeneDx
Classification: Uncertain significance. Last evaluated: 2024-01-02. Review status: criteria provided, single submitter. Criteria: GeneDx Variant Classification Process June 2021. Collection method: clinical testing. Allele origin: germline. Affected: yes.
Comment: In silico analysis supports that this missense variant has a deleterious effect on protein structure/function; Has not been previously published as pathogenic or benign to our knowledge

Labcorp Genetics (formerly Invitae), Labcorp
Classification: Likely benign for Developmental and epileptic encephalopathy, 31A. Last evaluated: 2023-08-27. Review status: criteria provided, single submitter. Criteria: Invitae Variant Classification Sherloc (09022015). Collection method: clinical testing. Allele origin: germline.